The following is an entry in ClinVar:

NM_000548.5(TSC2):c.2858C>A (p.Pro953His)

Gene: TSC2 (TSC complex subunit 2; plus strand). Cytogenetic location: 16p13.3.
Variant type: single nucleotide variant.
Coding change: c.2858C>A on transcript NM_000548.5 (MANE Select); coding-DNA position 2858, C replaced by A.
Protein change: p.Pro953His; replaces proline 953 with histidine.
Molecular consequence: missense variant. On other transcripts: intron variant (9).
Genome position (GRCh38, 1-based): chr16:2,077,618, C>A. VCF-style: chr16-2077618-C-A. GRCh37 (hg19) VCF-style: chr16-2127619-C-A.
Other names: c.2858C>A, p.Pro953His (NM_001114382.3); c.2837+1033C>A (NM_021055.3, NM_001370405.1, NM_001363528.2 and 2 more transcripts); c.2726+1033C>A (NM_001318827.2); c.2237+1033C>A (NM_001318831.2); c.2690+1033C>A (NM_001318829.2); c.2870+1033C>A (NM_001318832.2); short protein forms P953H.
Identifiers: ClinVar variation 1374865 (VCV001374865.8), dbSNP rs1303011979, ClinGen allele CA394280839.

ClinVar aggregate classification (germline): Uncertain significance. Review status: criteria provided, multiple submitters, no conflicts (2 of 4 stars). 3 submissions from 3 submitters: Uncertain significance (3). Last evaluated 2025-10-13.

Conditions:
Tuberous sclerosis syndrome (TSC). Also called: Tuberous Sclerosis Complex; Tuberous sclerosis. Identifiers: Orphanet 805, MedGen C0041341, MONDO:0001734.
Isolated focal cortical dysplasia type II (FCORD2). Also called: Focal cortical dysplasia type II; CORTICAL DYSPLASIA OF TAYLOR. Identifiers: Orphanet 268994, MedGen C1846385, MONDO:0011818, OMIM 607341, HP:0032051.
Tuberous sclerosis 2 (TSC2). Identifiers: Orphanet 805, MedGen C1860707, MONDO:0013199, OMIM 613254.

Allele frequency attached by ClinVar (database versions not stated): gnomAD 0.00001.
gnomAD v4.1: 1 of 1,613,062 alleles (0.000062%); highest among the groups gnomAD compares: African/African-American, 0.0013%; no homozygotes.

Submissions (3):

Color Diagnostics, LLC DBA Color Health
Classification: Uncertain significance for Tuberous sclerosis syndrome. Last evaluated: 2025-10-13. Review status: criteria provided, single submitter. Criteria: ACMG Guidelines, 2015. Collection method: clinical testing. Allele origin: germline.
Comment: This missense variant replaces proline with histidine at codon 953 of the TSC2 protein. Computational prediction suggests that this variant may not impact protein structure and function. To our knowledge, functional studies have not been reported for this variant. This variant has not been reported in individuals affected with TSC2-related disorders in the literature. This variant has been identified in 1/152168 chromosomes in the general population by the Genome Aggregation Database (gnomAD). The available evidence is insufficient to determine the role of this variant in disease conclusively. Therefore, this variant is classified as a Variant of Uncertain Significance.

Labcorp Genetics (formerly Invitae), Labcorp
Classification: Uncertain significance for Tuberous sclerosis 2. Last evaluated: 2024-03-30. Review status: criteria provided, single submitter. Criteria: Invitae Variant Classification Sherloc (09022015). Collection method: clinical testing. Allele origin: germline.
Comment: This sequence change replaces proline, which is neutral and non-polar, with histidine, which is basic and polar, at codon 953 of the TSC2 protein (p.Pro953His). This variant is not present in population databases (gnomAD no frequency). This variant has not been reported in the literature in individuals affected with TSC2-related conditions. ClinVar contains an entry for this variant (Variation ID: 1374865). Advanced modeling of protein sequence and biophysical properties (such as structural, functional, and spatial information, amino acid conservation, physicochemical variation, residue mobility, and thermodynamic stability) performed at Invitae indicates that this missense variant is not expected to disrupt TSC2 protein function with a negative predictive value of 95%. In summary, the available evidence is currently insufficient to determine the role of this variant in disease. Therefore, it has been classified as a Variant of Uncertain Significance.

Baylor Genetics
Classification: Uncertain significance for Isolated focal cortical dysplasia type II. Last evaluated: 2023-11-03. Review status: criteria provided, single submitter. Criteria: ACMG Guidelines, 2015. Collection method: clinical testing. Allele origin: unknown.